The following is an entry in ClinVar:

NM_020987.5(ANK3):c.2980G>C (p.Gly994Arg)

Gene: ANK3 (ankyrin 3; minus strand). Cytogenetic location: 10q21.2.
Variant type: single nucleotide variant.
Coding change: c.2980G>C on transcript NM_020987.5 (MANE Select); coding-DNA position 2980, G replaced by C.
Protein change: p.Gly994Arg; replaces glycine 994 with arginine.
Molecular consequence: missense variant.
Genome position (GRCh38, 1-based): chr10:60,109,023, C>G on the plus strand (G>C on the coding strand, the complement: ANK3 is on the minus strand). VCF-style: chr10-60109023-C-G. GRCh37 (hg19) VCF-style: chr10-61868781-C-G.
Other names: c.382G>C, p.Gly128Arg (NM_001149.4); c.2962G>C, p.Gly988Arg (NM_001204403.2); c.2983G>C, p.Gly995Arg (NM_001204404.2); c.2980G>C, p.Gly994Arg (NM_001320874.2); short protein forms G128R, G988R, G994R, G995R.
Identifiers: ClinVar variation 3774687 (VCV003774687.1).

ClinVar aggregate classification (germline): Uncertain significance (1 of 4 stars; one submission).

Submission:

GeneDx
Classification: Uncertain significance. Last evaluated: 2024-09-25. Review status: criteria provided, single submitter. Criteria: GeneDx Variant Classification Process June 2021. Collection method: clinical testing. Allele origin: germline. Affected: yes.
Comment: Not observed at significant frequency in large population cohorts (gnomAD); In silico analysis supports that this missense variant has a deleterious effect on protein structure/function; Has not been previously published as pathogenic or benign to our knowledge